The following is an entry in ClinVar:

NM_019045.5(WDR44):c.160G>C (p.Glu54Gln)

Gene: WDR44 (WD repeat domain 44; plus strand). Cytogenetic location: Xq24.
Variant type: single nucleotide variant.
Coding change: c.160G>C on transcript NM_019045.5 (MANE Select); coding-DNA position 160, G replaced by C.
Protein change: p.Glu54Gln; replaces glutamic acid 54 with glutamine.
Molecular consequence: missense variant. On other transcripts: intron variant (1).
Genome position (GRCh38, 1-based): chrX:118,387,388, G>C. VCF-style: chrX-118387388-G-C. GRCh37 (hg19) VCF-style: chrX-117521351-G-C.
Other names: c.160G>C, p.Glu54Gln (NM_001184965.2); c.112-5244G>C (NM_001184966.1); short protein forms E54Q.
Identifiers: ClinVar variation 3342362 (VCV003342362.1).

ClinVar aggregate classification (germline): Uncertain significance (1 of 4 stars; one submission).

Submission:

GeneDx
Classification: Uncertain significance. Last evaluated: 2022-10-07. Review status: criteria provided, single submitter. Criteria: GeneDx Variant Classification Process June 2021. Collection method: clinical testing. Allele origin: germline. Affected: yes.
Comment: Not observed at significant frequency in large population cohorts (gnomAD); In silico analysis supports that this missense variant does not alter protein structure/function; Has not been previously published as pathogenic or benign to our knowledge; Variants in candidate genes are classified as variants of uncertain significance in accordance with ACMG guidelines (Richards et al., 2015)